The following is an entry in ClinVar:

ClinVar aggregate classification (germline): Uncertain significance (1 of 4 stars; one submission).

Conditions:
Neurodegeneration with brain iron accumulation 6 (NBIA6). Also called: COASY protein-associated neurodegeneration. Identifiers: Orphanet 397725, MedGen C4517377, MONDO:0014290, OMIM 615643.

Allele frequency attached by ClinVar (database versions not stated): gnomAD exomes below 0.00001.

Submission:

Labcorp Genetics (formerly Invitae), Labcorp
Classification: Uncertain significance for Neurodegeneration with brain iron accumulation 6. Last evaluated: 2023-07-19. Review status: criteria provided, single submitter. Criteria: Invitae Variant Classification Sherloc (09022015). Collection method: clinical testing. Allele origin: germline.
Comment: In summary, the available evidence is currently insufficient to determine the role of this variant in disease. Therefore, it has been classified as a Variant of Uncertain Significance. Advanced modeling of protein sequence and biophysical properties (such as structural, functional, and spatial information, amino acid conservation, physicochemical variation, residue mobility, and thermodynamic stability) performed at Invitae indicates that this missense variant is not expected to disrupt COASY protein function. This variant has not been reported in the literature in individuals affected with COASY-related conditions. This variant is not present in population databases (gnomAD no frequency). This sequence change replaces phenylalanine, which is neutral and non-polar, with valine, which is neutral and non-polar, at codon 67 of the COASY protein (p.Phe67Val).

NM_025233.7(COASY):c.199T>G (p.Phe67Val)

Gene: COASY (Coenzyme A synthase; plus strand). Cytogenetic location: 17q21.2.
Variant type: single nucleotide variant.
Coding change: c.199T>G on transcript NM_025233.7 (MANE Select); coding-DNA position 199, T replaced by G.
Protein change: p.Phe67Val; replaces phenylalanine 67 with valine.
Molecular consequence: missense variant.
Genome position (GRCh38, 1-based): chr17:42,562,821, T>G. VCF-style: chr17-42562821-T-G. GRCh37 (hg19) VCF-style: chr17-40714839-T-G.
Other names: c.199T>G, p.Phe67Val (NM_001042529.3); c.286T>G, p.Phe96Val (NM_001042532.4); short protein forms F67V, F96V.
Identifiers: ClinVar variation 2745085 (VCV002745085.3), dbSNP rs2510677219, ClinGen allele CA399617012.